The following is an entry in ClinVar:

NM_007294.4(BRCA1):c.5332+16A>G

Gene: BRCA1 (BRCA1 DNA repair associated; minus strand). Cytogenetic location: 17q21.31.
Variant type: single nucleotide variant.
Coding change: c.5332+16A>G on transcript NM_007294.4 (MANE Select); 16 bases into the intron after coding-DNA position 5332, A replaced by G.
Molecular consequence: intron variant.
Genome position (GRCh38, 1-based): chr17:43,051,047, T>C on the plus strand (A>G on the coding strand, the complement: BRCA1 is on the minus strand). VCF-style: chr17-43051047-T-C. GRCh37 (hg19) VCF-style: chr17-41203064-T-C.
Other names: c.4993+16A>G (NM_001407957.1, NM_001407958.1, NM_001407956.1); c.4996+16A>G (NM_001407953.1, NM_001407955.1, NM_001407951.1 and 3 more transcripts); c.4999+16A>G (NM_001407949.1, NM_001407946.1, NM_001407948.1 and 1 more transcripts); c.1696+16A>G (NM_001408506.1); c.1810+16A>G (NM_001408481.1, NM_001408490.1, NM_001408489.1 and 5 more transcripts); c.1813+16A>G (NM_001408480.1, NM_001408479.1, NM_001408478.1); c.5119+16A>G (NM_001407909.1, NM_001407906.1, NM_001407899.1 and 12 more transcripts); c.5122+16A>G (NM_001407887.1, NM_001407889.1, NM_001407884.1 and 5 more transcripts); and 74 more.
Identifiers: ClinVar variation 386422 (VCV000386422.21), dbSNP rs1057522497, ClinGen allele CA16607603.
Genomic context (GRCh38, chr17:43,051,047, plus strand): 5'-GGGATCTTGCTTATAATACTCCACTATGTAAGACAAAGGCTGGTGCTGGAACTCTGGGGT[T>C]CTCCCAGGCTCTTACCTGTGGGCATGTTGGTGAAGGGCCCATAGCAACAGATTTCTAGCC-3'

ClinVar aggregate classification (germline): Likely benign. Review status: criteria provided, multiple submitters, no conflicts (2 of 4 stars). 2 submissions from 2 submitters: Likely benign (2). Last evaluated 2024-04-10.

Conditions:
Hereditary breast ovarian cancer syndrome. Also called: Hereditary breast and ovarian cancer syndrome; Breast and ovarian cancer; Hereditary breast and ovarian cancer syndrome (HBOC); Hereditary breast and/or ovarian cancer syndrome; BRCA1- and BRCA2-Associated Hereditary Breast and Ovarian Cancer; Hereditary breast and ovarian cancer. Identifiers: Orphanet 145, MedGen C0677776, MeSH D061325, MONDO:0003582. Disease mechanism: loss of function.

Submissions (3):

Labcorp Genetics (formerly Invitae), Labcorp
Classification: Likely benign for Hereditary breast ovarian cancer syndrome. Last evaluated: 2024-04-10. Review status: criteria provided, single submitter. Criteria: Invitae Variant Classification Sherloc (09022015). Collection method: clinical testing. Allele origin: germline.

GeneDx
Classification: Likely benign. Last evaluated: 2016-05-17. Review status: criteria provided, single submitter. Criteria: GeneDx Variant Classification (06012015). Collection method: clinical testing. Allele origin: germline. Affected: yes.
Comment: This variant is considered likely benign or benign based on one or more of the following criteria: it is a conservative change, it occurs at a poorly conserved position in the protein, it is predicted to be benign by multiple in silico algorithms, and/or has population frequency not consistent with disease.

Brotman Baty Institute, University of Washington
No classification provided (evidence only). Condition: Breast-ovarian cancer, familial 1. Review status: no classification provided. Collection method: in vitro. Allele origin: not applicable. Functional consequence: functionally_normal. Not counted in ClinVar's aggregate classification.
ClinVar note: "not provided" was previously submitted as the classification for the variant. However, the classification appeared to be based only on an observation of functional data so it was converted to no classification on 2025-07-30.